The following is an entry in ClinVar:

ClinVar aggregate classification (germline): Uncertain significance. Review status: criteria provided, multiple submitters, no conflicts (2 of 4 stars). 2 submissions from 2 submitters: Uncertain significance (2). Last evaluated 2024-10-01.

Conditions:
Familial infantile myasthenia (CMS6). Also called: Congenital myasthenic syndrome type 6; MYASTHENIC SYNDROME, PRESYNAPTIC, CONGENITAL, ASSOCIATED WITH EPISODIC APNEA; MYASTHENIC SYNDROME, CONGENITAL, 6, PRESYNAPTIC. Identifiers: Orphanet 590, MedGen C0393929, MONDO:0009689, OMIM 254210.

Allele frequency attached by ClinVar (database versions not stated): gnomAD exomes 0.00001; TOPMed 0.00001; ExAC 0.00002; ESP Exome Variant Server 0.00008.
gnomAD v4.1: 5 of 1,614,048 alleles (0.00031%); highest among the groups gnomAD compares: East Asian, 0.0022%; no homozygotes.

Submissions (2):

Women's Health and Genetics/Laboratory Corporation of America, LabCorp
Classification: Uncertain significance. Last evaluated: 2024-10-01. Review status: criteria provided, single submitter. Criteria: LabCorp Variant Classification Summary - May 2015. Collection method: clinical testing. Allele origin: germline.
Comment: Variant summary: CHAT c.1696C>T (p.Arg566Cys) results in a non-conservative amino acid change located in the Choline/Carnitine o-acyltransferase domain (IPR039551) of the encoded protein sequence. Five of five in-silico tools predict a damaging effect of the variant on protein function. The variant allele was found at a frequency of 1.2e-05 in 251266 control chromosomes. The available data on variant occurrences in the general population are insufficient to allow any conclusion about variant significance. c.1696C>T has been reported in the literature in a compound heterozygous individuals affected with Congenital Myasthenic Syndrome (Arredondo_2016, Murtazina_2024). These report(s) do not provide unequivocal conclusions about association of the variant with Congenital Myasthenic Syndrome. To our knowledge, no experimental evidence demonstrating an impact on protein function has been reported. The following publications have been ascertained in the context of this evaluation (PMID: 26080897, 38304750). ClinVar contains an entry for this variant (Variation ID: 1444825). Based on the evidence outlined above, the variant was classified as uncertain significance.

Labcorp Genetics (formerly Invitae), Labcorp
Classification: Uncertain significance for Familial infantile myasthenia. Last evaluated: 2021-08-27. Review status: criteria provided, single submitter. Criteria: Invitae Variant Classification Sherloc (09022015). Collection method: clinical testing. Allele origin: germline.
Comment: This sequence change replaces arginine with cysteine at codon 566 of the CHAT protein (p.Arg566Cys). The arginine residue is highly conserved and there is a large physicochemical difference between arginine and cysteine. This variant is present in population databases (rs368957556, ExAC 0.01%). This missense change has been observed in individual(s) with congenital myasthenic syndrome (PMID: 26080897). Advanced modeling of protein sequence and biophysical properties (such as structural, functional, and spatial information, amino acid conservation, physicochemical variation, residue mobility, and thermodynamic stability) performed at Invitae indicates that this missense variant is expected to disrupt CHAT protein function. Experimental studies have shown that this missense change affects CHAT function (PMID: 26080897). In summary, the available evidence is currently insufficient to determine the role of this variant in disease. Therefore, it has been classified as a Variant of Uncertain Significance.

Literature cited by the submitters: PubMed 26080897 (cited by Women's Health and Genetics/Laboratory Corporation of America, LabCorp and Labcorp Genetics (formerly Invitae), Labcorp); PubMed 38304750 (cited by Women's Health and Genetics/Laboratory Corporation of America, LabCorp).

NM_020549.5(CHAT):c.1696C>T (p.Arg566Cys)

Gene: CHAT (choline O-acetyltransferase; plus strand). Cytogenetic location: 10q11.23.
Variant type: single nucleotide variant.
Coding change: c.1696C>T on transcript NM_020549.5 (MANE Select); coding-DNA position 1696, C replaced by T.
Protein change: p.Arg566Cys; replaces arginine 566 with cysteine.
Molecular consequence: missense variant.
Genome position (GRCh38, 1-based): chr10:49,655,156, C>T. VCF-style: chr10-49655156-C-T. GRCh37 (hg19) VCF-style: chr10-50863202-C-T.
Other names: c.1342C>T, p.Arg448Cys (NM_001142929.2, NM_001142934.2, NM_020984.4 and 2 more transcripts); c.1450C>T, p.Arg484Cys (NM_001142933.2); short protein forms R448C, R566C, R484C.
Identifiers: ClinVar variation 1444825 (VCV001444825.6), dbSNP rs368957556, ClinGen allele CA5497596.